The following is an entry in ClinVar:

NM_003931.3(WASF1):c.5C>T (p.Pro2Leu)

Gene: WASF1 (WASP family member 1; minus strand). Cytogenetic location: 6q21.
Variant type: single nucleotide variant.
Coding change: c.5C>T on transcript NM_003931.3 (MANE Select); coding-DNA position 5, C replaced by T.
Protein change: p.Pro2Leu; replaces proline 2 with leucine.
Molecular consequence: missense variant.
Genome position (GRCh38, 1-based): chr6:110,127,597, G>A on the plus strand (C>T on the coding strand, the complement: WASF1 is on the minus strand). VCF-style: chr6-110127597-G-A. GRCh37 (hg19) VCF-style: chr6-110448800-G-A.
Other names: c.5C>T, p.Pro2Leu (NM_001024934.2, NM_001024935.2, NM_001024936.2); short protein forms P2L.
Identifiers: ClinVar variation 3372809 (VCV003372809.1).

ClinVar aggregate classification (germline): Uncertain significance (1 of 4 stars; one submission).

gnomAD v4.1: 3 of 1,552,612 alleles (0.00019%); highest among the groups gnomAD compares: African/African-American, 0.0014%; no homozygotes.

Submission:

GeneDx
Classification: Uncertain significance. Last evaluated: 2024-04-24. Review status: criteria provided, single submitter. Criteria: GeneDx Variant Classification Process June 2021. Collection method: clinical testing. Allele origin: germline. Affected: yes.
Comment: Not observed at significant frequency in large population cohorts (gnomAD); In silico analysis supports that this missense variant has a deleterious effect on protein structure/function; Has not been previously published as pathogenic or benign to our knowledge